The following is an entry in ClinVar:

ClinVar aggregate classification (germline): Pathogenic (0 of 4 stars; one submission).

Conditions:
Hereditary elliptocytosis. Also called: Ovalocytosis. Identifiers: Orphanet 288, MedGen C0013902, MONDO:0017319. Disease mechanism: loss of function. Inheritance: Almost all forms of Hereditary Elliptocytosis are autosomal dominant; one exception is a subtype called hereditary pyropoikilocytosis, which is autosomal recessive.

Submission:

Sankaran Lab, Boston Children's Hospital
Classification: Pathogenic for Hereditary elliptocytosis. Last evaluated: 2015-12-25. Review status: no assertion criteria provided. Collection method: clinical testing. Allele origin: germline. Affected: yes.
Comment: Homozygous loss of function in EPB41, similar to 3 prior cases in literature

NM_001376013.1(EPB41):c.1071_1077del (p.Asn358fs)

Gene: EPB41 (erythrocyte membrane protein band 4.1; plus strand). Cytogenetic location: 1p35.3.
Variant type: Deletion.
Coding change: c.1071_1077del on transcript NM_001376013.1 (MANE Select); coding-DNA positions 1071 to 1077, 7 bases deleted (GAATCAG; older notation c.1071_1077delGAATCAG).
Protein change: p.Asn358fs; shifts the reading frame from asparagine 358.
Molecular consequence: frameshift variant.
Genome position (GRCh38, 1-based): chr1:29,018,389-29,018,395, GAATCAG deleted. VCF-style (leftmost placement, unchanged base first): chr1-29018388-CGAATCAG-C. GRCh37 (hg19) VCF-style: chr1-29344900-CGAATCAG-C.
Other names: c.444_450del, p.Asn149fs (NM_001376025.1, NM_001376026.1, NM_001376027.1 and 7 more transcripts); c.966_972del, p.Asn323fs (NM_203343.3); c.1071_1077del, p.Asn358fs (NM_001166005.2, NM_001166006.2, NM_001376014.1 and 7 more transcripts); short protein forms N323fs, N149fs, N358fs.
Identifiers: ClinVar variation 221297 (VCV000221297.2), dbSNP rs869025285, ClinGen allele CA351509.